The following is an entry in ClinVar:

NM_015338.6(ASXL1):c.4060G>A (p.Glu1354Lys)

Gene: ASXL1 (ASXL transcriptional regulator 1; plus strand). Cytogenetic location: 20q11.21.
Variant type: single nucleotide variant.
Coding change: c.4060G>A on transcript NM_015338.6 (MANE Select); coding-DNA position 4060, G replaced by A.
Protein change: p.Glu1354Lys; replaces glutamic acid 1354 with lysine.
Molecular consequence: missense variant.
Genome position (GRCh38, 1-based): chr20:32,436,772, G>A. VCF-style: chr20-32436772-G-A. GRCh37 (hg19) VCF-style: chr20-31024575-G-A.
Other names: c.3877G>A, p.Glu1293Lys (NM_001363734.1); short protein forms E1293K, E1354K.
Identifiers: ClinVar variation 4158350 (VCV004158350.1).

ClinVar aggregate classification (germline): Uncertain significance (1 of 4 stars; one submission).

Conditions:
Inborn genetic diseases. Identifiers: MedGen C0950123, MeSH D030342.

Submission:

Ambry Genetics
Classification: Uncertain significance for Inborn genetic diseases. Last evaluated: 2025-07-19. Review status: criteria provided, single submitter. Criteria: Ambry Variant Classification Scheme 2023. Collection method: clinical testing. Allele origin: germline.
Comment: The p.E1354K variant (also known as c.4060G>A), located in coding exon 13 of the ASXL1 gene, results from a G to A substitution at nucleotide position 4060. The glutamic acid at codon 1354 is replaced by lysine, an amino acid with similar properties. This amino acid position is conserved. In addition, this alteration is predicted to be tolerated by in silico analysis. Based on the available evidence, the clinical significance of this variant remains unclear.